The following is an entry in ClinVar:

ClinVar aggregate classification (germline): Uncertain significance. Review status: criteria provided, multiple submitters, no conflicts (2 of 4 stars). 2 submissions from 2 submitters: Uncertain significance (2). Last evaluated 2025-05-07.

Conditions:
Familial adenomatous polyposis 1 (FAP1). Also called: FAMILIAL ADENOMATOUS POLYPOSIS 1, ATTENUATED; POLYPOSIS, ADENOMATOUS INTESTINAL. Identifiers: MedGen C2713442, MONDO:0021056, OMIM 175100. Disease mechanism: loss of function.

Allele frequency attached by ClinVar (database versions not stated): gnomAD exomes below 0.00001.
gnomAD v4.1: 1 of 1,613,952 alleles (0.000062%); highest among the groups gnomAD compares: Non-Finnish European, 0.000085%; no homozygotes.

Submissions (2):

Labcorp Genetics (formerly Invitae), Labcorp
Classification: Uncertain significance for Familial adenomatous polyposis 1. Last evaluated: 2025-05-07. Review status: criteria provided, single submitter. Criteria: Invitae Variant Classification Sherloc (09022015). Collection method: clinical testing. Allele origin: germline.
Comment: This sequence change replaces alanine, which is neutral and non-polar, with valine, which is neutral and non-polar, at codon 385 of the APC protein (p.Ala385Val). This variant is present in population databases (rs730881232, gnomAD 0.0009%). This variant has not been reported in the literature in individuals affected with APC-related conditions. ClinVar contains an entry for this variant (Variation ID: 181784). Invitae Evidence Modeling of protein sequence and biophysical properties (such as structural, functional, and spatial information, amino acid conservation, physicochemical variation, residue mobility, and thermodynamic stability) indicates that this missense variant is not expected to disrupt APC protein function with a negative predictive value of 95%. In summary, the available evidence is currently insufficient to determine the role of this variant in disease. Therefore, it has been classified as a Variant of Uncertain Significance.

GeneDx
Classification: Uncertain significance. Last evaluated: 2022-05-17. Review status: criteria provided, single submitter. Criteria: GeneDx Variant Classification Process June 2021. Collection method: clinical testing. Allele origin: germline. Affected: yes.
Comment: Not observed at significant frequency in large population cohorts (gnomAD); In silico analysis supports that this missense variant has a deleterious effect on protein structure/function; Has not been previously published as pathogenic or benign to our knowledge

NM_000038.6(APC):c.1154C>T (p.Ala385Val)

Gene: APC (APC regulator of Wnt signaling pathway; plus strand). Cytogenetic location: 5q22.2.
Variant type: single nucleotide variant.
Coding change: c.1154C>T on transcript NM_000038.6 (MANE Select); coding-DNA position 1154, C replaced by T.
Protein change: p.Ala385Val; replaces alanine 385 with valine.
Molecular consequence: missense variant. On other transcripts: intron variant (4).
Genome position (GRCh38, 1-based): chr5:112,819,186, C>T. VCF-style: chr5-112819186-C-T. GRCh37 (hg19) VCF-style: chr5-112154883-C-T.
Other names: p.A385V:GCA>GTA; c.859-83C>T (NM_001354904.2); c.934-83C>T (NM_001354903.2); c.757-83C>T (NM_001354905.2); c.1154C>T, p.Ala385Val (NM_001127510.3, NM_001354895.2, NM_001354896.2); c.1100C>T, p.Ala367Val (NM_001127511.3); c.1184C>T, p.Ala395Val (NM_001354897.2); c.1079C>T, p.Ala360Val (NM_001354898.2); and 4 more; short protein forms A367V, A385V, A357V, A326V, A102V, A360V, A395V.
Identifiers: ClinVar variation 181784 (VCV000181784.14), dbSNP rs730881232, ClinGen allele CA004066.